The following is an entry in ClinVar:

NM_001197104.2(KMT2A):c.11803C>T (p.Arg3935Cys)

Genes: KMT2A (lysine methyltransferase 2A; plus strand), TTC36-AS1 (TTC36 and KMT2A antisense RNA 1; minus strand). Cytogenetic location: 11q23.3.
Variant type: single nucleotide variant.
Coding change: c.11803C>T on transcript NM_001197104.2 (MANE Select); coding-DNA position 11803, C replaced by T.
Protein change: p.Arg3935Cys; replaces arginine 3935 with cysteine.
Molecular consequence: missense variant.
Genome position (GRCh38, 1-based): chr11:118,522,056, C>T. VCF-style: chr11-118522056-C-T. GRCh37 (hg19) VCF-style: chr11-118392771-C-T.
Other names: c.11893C>T, p.Arg3965Cys (NM_001412597.1); c.11794C>T, p.Arg3932Cys (NM_005933.4); short protein forms R3935C, R3932C, R3965C.
Identifiers: ClinVar variation 2702483 (VCV002702483.3), dbSNP rs2135299016, ClinGen allele CA382836428.

ClinVar aggregate classification (germline): Uncertain significance (1 of 4 stars; one submission).

Submission:

Labcorp Genetics (formerly Invitae), Labcorp
Classification: Uncertain significance. Last evaluated: 2023-12-12. Review status: criteria provided, single submitter. Criteria: Invitae Variant Classification Sherloc (09022015). Collection method: clinical testing. Allele origin: germline.
Comment: This sequence change replaces arginine, which is basic and polar, with cysteine, which is neutral and slightly polar, at codon 3935 of the KMT2A protein (p.Arg3935Cys). This variant is not present in population databases (gnomAD no frequency). This variant has not been reported in the literature in individuals affected with KMT2A-related conditions. Advanced modeling of protein sequence and biophysical properties (such as structural, functional, and spatial information, amino acid conservation, physicochemical variation, residue mobility, and thermodynamic stability) has been performed at Invitae for this missense variant, however the output from this modeling did not meet the statistical confidence thresholds required to predict the impact of this variant on KMT2A protein function. In summary, the available evidence is currently insufficient to determine the role of this variant in disease. Therefore, it has been classified as a Variant of Uncertain Significance.